The following is an entry in ClinVar:

ClinVar aggregate classification (germline): Uncertain significance. Review status: criteria provided, single submitter (1 of 4 stars). 2 submissions from 2 submitters: Uncertain significance (1). 1 of the submissions does not count toward it. Last evaluated 2025-05-30.

Conditions:
Susceptibility to EBV infection.

gnomAD v4.1: 104 of 1,613,984 alleles (0.0064%); highest among the groups gnomAD compares: East Asian, 0.0089%; no homozygotes.

Submissions (2):

Ambry Genetics
Classification: Uncertain significance. Last evaluated: 2025-05-30. Review status: criteria provided, single submitter. Criteria: Ambry Variant Classification Scheme 2023. Collection method: clinical testing. Allele origin: germline.

Department of Cellular and Molecular Research, National Cancer Centre Singapore, SingHealth
Classification: Pathogenic for Susceptibility to EBV infection. Last evaluated: 2026-05-27. Review status: no assertion criteria provided. Collection method: research. Allele origin: germline. Affected: yes. Observed: 1 variant allele, 1 heterozygote. Not counted in ClinVar's aggregate classification.
Comment: Reanalysis of the WGS data from L35C in Xiong et al., Cancer Cell, 2020 revealed the presence of this variant. The functional consequences of the variant in relation to EBV infection were studied in Prof. Micah Luftig’s lab at Duke University. In Luftig lab, CRISPR-RNP identified this variant which led to susceptibility of host cell to EBV infection.

Literature cited by the submitters: PubMed 32183952 (cited by Department of Cellular and Molecular Research, National Cancer Centre Singapore, SingHealth).

NM_003335.3(UBA7):c.1985G>A (p.Arg662His)

Gene: UBA7 (ubiquitin like modifier activating enzyme 7; minus strand). Cytogenetic location: 3p21.31.
Variant type: single nucleotide variant.
Coding change: c.1985G>A on transcript NM_003335.3 (MANE Select); coding-DNA position 1985, G replaced by A.
Protein change: p.Arg662His; replaces arginine 662 with histidine.
Molecular consequence: missense variant.
Genome position (GRCh38, 1-based): chr3:49,809,645, C>T on the plus strand (G>A on the coding strand, the complement: UBA7 is on the minus strand). VCF-style: chr3-49809645-C-T. GRCh37 (hg19) VCF-style: chr3-49847078-C-T.
Other names: short protein forms R662H.
Identifiers: ClinVar variation 3976597 (VCV003976597.2).
Genomic context (GRCh38, chr3:49,809,645, plus strand): 5'-TGAAAGCAGAGTTTCCAGTGGCCAAGAGCCCACGCCACACAGTCTTGCCAGTTCTGTGGA[C>T]GCACTCTCAGGACCCCAAGCACTGGCTTCAGTAAGGTGAGTGTCTGTGGCTCATCCATGT-3'
Protein context (NP_003326.2, residues 652-672): LKPVLGVLRV[Arg662His]PQNWQDCVAW